The following is an entry in ClinVar:

NM_000937.5(POLR2A):c.2021C>G (p.Thr674Ser)

Gene: POLR2A (RNA polymerase II subunit A; plus strand). Cytogenetic location: 17p13.1.
Variant type: single nucleotide variant.
Coding change: c.2021C>G on transcript NM_000937.5 (MANE Select); coding-DNA position 2021, C replaced by G.
Protein change: p.Thr674Ser; replaces threonine 674 with serine.
Molecular consequence: missense variant.
Genome position (GRCh38, 1-based): chr17:7,501,079, C>G. VCF-style: chr17-7501079-C-G. GRCh37 (hg19) VCF-style: chr17-7404398-C-G.
Other names: short protein forms T674S.
Identifiers: ClinVar variation 1311982 (VCV001311982.2), dbSNP rs2150882545, ClinGen allele CA397884471.

ClinVar aggregate classification (germline): Uncertain significance (1 of 4 stars; one submission).

Submission:

GeneDx
Classification: Uncertain significance. Last evaluated: 2020-10-17. Review status: criteria provided, single submitter. Criteria: GeneDx Variant Classification Process June 2021. Collection method: clinical testing. Allele origin: germline. Affected: yes.
Comment: Not observed in large population cohorts (Lek et al., 2016); In silico analysis supports that this missense variant does not alter protein structure/function; Has not been previously published as pathogenic or benign to our knowledge